The following is an entry in ClinVar:

ClinVar aggregate classification (germline): Likely benign (1 of 4 stars; one submission).

gnomAD v4.1: 31 of 1,612,958 alleles (0.0019%); highest among the groups gnomAD compares: Non-Finnish European, 0.0023%; no homozygotes.

Submission:

CeGaT Center for Human Genetics Tuebingen
Classification: Likely benign. Last evaluated: 2024-07-01. Review status: criteria provided, single submitter. Criteria: CeGaT Center For Human Genetics Tuebingen Variant Classification Criteria Version 2. Collection method: clinical testing. Allele origin: germline. Affected: yes. Observed: 1 variant allele.
Comment: KDM5B: BP4, BP7

NM_006618.5(KDM5B):c.1164G>A (p.Ala388=)

Gene: KDM5B (lysine demethylase 5B; minus strand). Cytogenetic location: 1q32.1.
Variant type: single nucleotide variant.
Coding change: c.1164G>A on transcript NM_006618.5 (MANE Select); coding-DNA position 1164, G replaced by A.
Protein change: p.Ala388=; no amino-acid change (alanine 388 retained).
Molecular consequence: synonymous variant.
Genome position (GRCh38, 1-based): chr1:202,758,424, C>T on the plus strand (G>A on the coding strand, the complement: KDM5B is on the minus strand). VCF-style: chr1-202758424-C-T. GRCh37 (hg19) VCF-style: chr1-202727552-C-T.
Other names: c.1272G>A, p.Ala424= (NM_001314042.2); c.1029G>A, p.Ala343= (NM_001347591.2); c.1149G>A, p.Ala383= (NM_001399817.1).
Identifiers: ClinVar variation 3257645 (VCV003257645.17).